The following is an entry in ClinVar:

NM_000053.4(ATP7B):c.2265G>T (p.Lys755Asn)

Gene: ATP7B (ATPase copper transporting beta; minus strand). Cytogenetic location: 13q14.3.
Variant type: single nucleotide variant.
Coding change: c.2265G>T on transcript NM_000053.4 (MANE Select); coding-DNA position 2265, G replaced by T.
Protein change: p.Lys755Asn; replaces lysine 755 with asparagine.
Molecular consequence: missense variant. On other transcripts: intron variant (14), splice acceptor variant (6).
Genome position (GRCh38, 1-based): chr13:51,958,401, C>A on the plus strand (G>T on the coding strand, the complement: ATP7B is on the minus strand). VCF-style: chr13-51958401-C-A. GRCh37 (hg19) VCF-style: chr13-52532537-C-A.
Other names: c.1932G>T, p.Lys644Asn (NM_001243182.2); c.2013G>T, p.Lys671Asn (NM_001330579.2, NM_001406531.1, NM_001406532.1 and 1 more transcripts); c.2265G>T, p.Lys755Asn (NM_001406511.1, NM_001406512.1, NM_001406513.1 and 7 more transcripts); c.2232G>T, p.Lys744Asn (NM_001406514.1); c.2169G>T, p.Lys723Asn (NM_001406517.1, NM_001406518.1); c.1836G>T, p.Lys612Asn (NM_001406539.1); c.1917G>T, p.Lys639Asn (NM_001406543.1); c.1870-794G>T (NM_001406541.1, NM_001005918.3, NM_001406546.1 and 1 more transcripts); and 8 more; short protein forms K612N, K639N, K644N, K671N, K723N, K744N, K755N.
Identifiers: ClinVar variation 4757248 (VCV004757248.1).

ClinVar aggregate classification (germline): Uncertain significance (1 of 4 stars; one submission).

Conditions:
Wilson disease (WND). Also called: Wilson's disease. Identifiers: Orphanet 905, MedGen C0019202, MONDO:0010200, OMIM 277900. Disease mechanism: loss of function.

Submission:

Color Diagnostics, LLC DBA Color Health
Classification: Uncertain significance for Wilson disease. Last evaluated: 2025-06-23. Review status: criteria provided, single submitter. Criteria: ACMG Guidelines, 2015. Collection method: clinical testing. Allele origin: germline.
Comment: This missense variant replaces lysine with asparagine at codon 755 of the ATP7B protein. Computational prediction suggests that this variant may not impact protein structure and function. To our knowledge, functional studies have not been reported for this variant. This variant has not been reported in individuals affected with ATP7B-related disorders in the literature. This variant has not been identified in the general population by the Genome Aggregation Database (gnomAD). The available evidence is insufficient to determine the role of this variant in disease conclusively. Therefore, this variant is classified as a Variant of Uncertain Significance.